The following is an entry in ClinVar:

ClinVar aggregate classification (germline): Uncertain significance (1 of 4 stars; one submission).

Conditions:
Hyperkalemic periodic paralysis. Also called: Familial hyperkalemic periodic paralysis; Gamstorp disease. Identifiers: Orphanet 682, MedGen C0238357, MONDO:0008224, OMIM 170500, HP:0007215.

Submission:

Labcorp Genetics (formerly Invitae), Labcorp
Classification: Uncertain significance for Hyperkalemic Periodic Paralysis Type 1. Last evaluated: 2019-08-19. Review status: criteria provided, single submitter. Criteria: Invitae Variant Classification Sherloc (09022015). Collection method: clinical testing. Allele origin: germline.
Comment: This sequence change replaces methionine with lysine at codon 150 of the SCN4A protein (p.Met150Lys). The methionine residue is highly conserved and there is a moderate physicochemical difference between methionine and lysine. This variant is not present in population databases (ExAC no frequency). This variant has not been reported in the literature in individuals with SCN4A-related conditions. Algorithms developed to predict the effect of missense changes on protein structure and function are either unavailable or do not agree on the potential impact of this missense change (SIFT: "Deleterious"; PolyPhen-2: "Benign"; Align-GVGD: "Class C55"). In summary, the available evidence is currently insufficient to determine the role of this variant in disease. Therefore, it has been classified as a Variant of Uncertain Significance.

NM_000334.4(SCN4A):c.449T>A (p.Met150Lys)

Gene: SCN4A (sodium voltage-gated channel alpha subunit 4; minus strand). Cytogenetic location: 17q23.3.
Variant type: single nucleotide variant.
Coding change: c.449T>A on transcript NM_000334.4 (MANE Select); coding-DNA position 449, T replaced by A.
Protein change: p.Met150Lys; replaces methionine 150 with lysine.
Molecular consequence: missense variant.
Genome position (GRCh38, 1-based): chr17:63,972,169, A>T on the plus strand (T>A on the coding strand, the complement: SCN4A is on the minus strand). VCF-style: chr17-63972169-A-T. GRCh37 (hg19) VCF-style: chr17-62049529-A-T.
Other names: short protein forms M150K.
Identifiers: ClinVar variation 964283 (VCV000964283.1), dbSNP rs1009083383, ClinGen allele CA400639555.
Genomic context (GRCh38, chr17:63,972,169, plus strand): 5'-GGGAGCTCAGGGAGCAGGGAGACTTACTCCACATTCTTGGACCAGGGAGGCGGGTCACTC[A>T]TGGTCATGAATACGCAGTTGGTCAAGATGGTGATCATGATGAACATGCTGAACAGCGTGG-3'
Protein context (NP_000325.4, residues 140-160): TILTNCVFMT[Met150Lys]SDPPPWSKNV